The following continues an entry in ClinVar:

NM_000218.3(KCNQ1):c.1552C>T (p.Arg518Ter)

Gene: KCNQ1. ClinVar aggregate classification (germline): Likely pathogenic. Likely pathogenic (1).

Submissions 27 to 37 of 37:

ARUP Laboratories, Molecular Genetics and Genomics, ARUP Laboratories
Classification: Pathogenic. Last evaluated: 2018-07-12. Review status: criteria provided, single submitter. Criteria: ARUP Molecular Germline Variant Investigation Process. Collection method: clinical testing. Allele origin: germline. Not counted in ClinVar's aggregate classification.
Comment: The KCNQ1: p.Arg518Ter variant (rs17215500) has been reported in association with Jervell and Lange-Nielsen syndrome, an autosomal recessive disorder that includes long QT intervals and sensorineural hearing loss (Larsen 1999, Giudicessi 2013 and Wei 2000). It is common in the northern Swedish population due to a founder effect (Winbo 2014). Some carriers have been reported to have long QT intervals and related symptoms. Functional analysis, though, suggests that this variant is loss of function and does not act in the dominant negative manner of missense variants typically associated with Romano Ward syndrome (Huang 2001). In addition, this variant may be associated with digenic LQTS; This variant is listed in the Genome Aggregation Database (gnomAD) with a frequency of 0.02 percent in the European Non-Finnish population (identified on 21 out of 116,682 chromosomes) and has been reported to the ClinVar database as pathogenic by multiple clinical laboratories. This variant induces a termination codon in exon 12 (of 16 exons), and functional studies demonstrate reduced plasma membrane ion channel localization and activity (Harmer 2014). Overall, the p.Arg518Ter variant is considered to be pathogenic.

HudsonAlpha Institute for Biotechnology
Classification: Pathogenic for Long QT syndrome 1. Last evaluated: 2018-05-08. Review status: criteria provided, single submitter. Criteria: ACMG Guidelines, 2015. Collection method: research. Allele origin: unknown. Observed: 1 variant allele. Study: AGHI-GT-HudsonAlpha. Not counted in ClinVar's aggregate classification.

Human Genome Sequencing Center Clinical Lab, Baylor College of Medicine
Classification: Pathogenic for Long QT syndrome 1. Last evaluated: 2018-02-24. Review status: criteria provided, single submitter. Criteria: ACMG Guidelines, 2015. Collection method: clinical testing. Allele origin: germline. Not counted in ClinVar's aggregate classification.
Comment: This c.1552C>T (p.Arg518*) variant in exon 12 of the KCNQ1 gene creates a premature translation stop codon and is predicted to result in an absent or disrupted protein product. This variant is well-described in association with autosomal recessive Jervell and Lange-Nielsen syndrome and has also been reported in autosomal recessive and autosomal dominant LQTS (PMID 10482963, 10704188, 10737999, 18752142, 22539601, 24552659, 27451284, and 28438721). Reduced penetrance and variable expressivity have been observed in individuals heterozygous for this variant (10482963, 11530100, and 24552659). This variant is a founder allele in Swedish population (PMID 22539601). Based on these data the p.Arg518* variant in the KCNQ1 gene is classified as pathogenic.

Center for Pediatric Genomic Medicine, Children's Mercy Hospital and Clinics
Classification: Pathogenic. Last evaluated: 2017-08-15. Review status: criteria provided, single submitter. Criteria: ACMG Guidelines, 2015. Collection method: clinical testing. Allele origin: germline. Not counted in ClinVar's aggregate classification.

MVZ Martinsried, Medicover Genetics
Classification: Pathogenic for Long QT syndrome 1. Last evaluated: 2017-07-21. Review status: criteria provided, single submitter. Criteria: ACMG Guidelines, 2015. Collection method: clinical testing. Allele origin: unknown. Affected: yes. Not counted in ClinVar's aggregate classification.

Stanford Center for Inherited Cardiovascular Disease, Stanford University
Classification: Pathogenic. Last evaluated: 2017-07-11. Review status: criteria provided, single submitter. Criteria: ACMG Guidelines, 2015. Collection method: provider interpretation. Allele origin: germline. Not counted in ClinVar's aggregate classification.

Clinical Genetics Service, Universitary Hospital 12 de Octubre
Classification: Pathogenic for Long QT syndrome 1. Review status: criteria provided, single submitter. Criteria: ACMG Guidelines, 2015. Collection method: clinical testing. Allele origin: germline. Affected: yes. Not counted in ClinVar's aggregate classification.

Rady Children's Institute for Genomic Medicine, Rady Children's Hospital San Diego
Classification: Pathogenic for KCNQ1-related disorders. Review status: criteria provided, single submitter. Criteria: ACMG Guidelines, 2015. Collection method: clinical testing. Allele origin: germline. Affected: yes. Not counted in ClinVar's aggregate classification.
Comment: This nonsense variant found in exon 12 of 16 is predicted to result in loss of normal protein function through either protein truncation or nonsense-mediated mRNA decay (NMD). This variant has been previously reported as a heterozygous change in individuals with autosomal dominant Long QT syndrome 1 (MIM: #192500) and in the homozygous/compound heterozygous state in patients with autosomal recessive Jervell and Lange-Nielsen syndrome (MIM: #220400) (PMID: 10482963, 10704188, 10737999, 18752142, 22539601, 24552659, 27451284, 28438721). Experimental evidence supports a damaging effect for this variant on protein function (PMID: 22309168, 24912595). Loss-of-function variation in KCNQ1 is an established mechanism of disease (PMID: 29532034). The c.1552C>T (p.Arg518Ter) variant is present in the heterozygous state in the gnomAD population database at a frequency of 0.01% (26/251412). This variant is a common founder mutation in the Swedish population (PMID: 24552659). Based on the available evidence, the c.1552C>T (p.Arg518Ter) variant is classified as Pathogenic.

OMIM
Classification: Pathogenic for LONG QT SYNDROME 1, RECESSIVE. Last evaluated: 2003-05-08. Review status: no assertion criteria provided. Collection method: literature only. Allele origin: germline. Not counted in ClinVar's aggregate classification.

GeneReviews
No classification provided. Condition: Jervell and Lange-Nielsen syndrome 1. Review status: no classification provided. Collection method: literature only. Allele origin: germline. Not counted in ClinVar's aggregate classification.

CSER _CC_NCGL, University of Washington
Classification: Uncertain significance for Long QT syndrome. Last evaluated: 2014-06-01. Review status: flagged submission. Collection method: research. Allele origin: germline. Inheritance: Autosomal dominant inheritance. Study: ESP 6500 variant annotation. Not counted in ClinVar's aggregate classification.
Comment: Variants classified for the Actionable exomic incidental findings in 6503 participants: challenges of variant classification manuscript
ClinVar note: Reason: Outlier claim with insufficient supporting evidence

Literature cited by the submitters: PubMed 20301308 (cited by Victorian Clinical Genetics Services, Murdoch Childrens Research Institute); PubMed 19632626 (cited by Victorian Clinical Genetics Services, Murdoch Childrens Research Institute); PubMed 28438721 (cited by 3 submitters); PubMed 9323054 (cited by Labcorp Genetics (formerly Invitae), Labcorp and All of Us Research Program, National Institutes of Health); PubMed 19862833 (cited by 3 submitters); PubMed 10704188 (cited by 4 submitters); PubMed 22539601 (cited by 6 submitters); PubMed 23098067 (cited by 6 submitters); PubMed 24552659 (cited by 10 submitters); PubMed 10482963 (cited by 7 submitters); PubMed 11530100 (cited by 3 submitters); PubMed 14510661 (cited by Genetics and Molecular Pathology, SA Pathology and Laboratory for Molecular Medicine, Mass General Brigham Personalized Medicine); PubMed 29922582 (cited by 3 submitters); PubMed 34135346 (cited by Genetics and Molecular Pathology, SA Pathology and Molecular Genetics, Royal Melbourne Hospital); PubMed 34930020 (cited by Genetics and Molecular Pathology, SA Pathology and Mayo Clinic Laboratories, Mayo Clinic); PubMed 36310718 (cited by Genetics and Molecular Pathology, SA Pathology and Molecular Genetics, Royal Melbourne Hospital); PubMed 10737999 (cited by 3 submitters); PubMed 10973849 (cited by Ambry Genetics); PubMed 15935335 (cited by Ambry Genetics and Illumina Laboratory Services, Illumina); PubMed 23392653 (cited by 3 submitters); PubMed 24052033 (cited by Ambry Genetics); PubMed 24912595 (cited by 3 submitters); PubMed 25236808 (cited by Ambry Genetics); PubMed 25705178 (cited by Ambry Genetics and Women's Health and Genetics/Laboratory Corporation of America, LabCorp); PubMed 26019114 (cited by 3 submitters); PubMed 26546361 (cited by Ambry Genetics and Laboratory for Molecular Medicine, Mass General Brigham Personalized Medicine); PubMed 27451284 (cited by Ambry Genetics and Mayo Clinic Laboratories, Mayo Clinic); PubMed 27816319 (cited by Ambry Genetics); PubMed 27831900 (cited by Ambry Genetics); PubMed 28720088 (cited by Ambry Genetics); PubMed 29247119 (cited by Ambry Genetics and Mayo Clinic Laboratories, Mayo Clinic); PubMed 29379719 (cited by Ambry Genetics and Mayo Clinic Laboratories, Mayo Clinic); PubMed 29654130 (cited by Ambry Genetics and Mayo Clinic Laboratories, Mayo Clinic); PubMed 29740400 (cited by Ambry Genetics and Mayo Clinic Laboratories, Mayo Clinic); PubMed 18752142 (cited by Mayo Clinic Laboratories, Mayo Clinic); PubMed 29033053 (cited by Mayo Clinic Laboratories, Mayo Clinic); PubMed 29372044 (cited by Mayo Clinic Laboratories, Mayo Clinic); PubMed 29661707 (cited by Mayo Clinic Laboratories, Mayo Clinic); PubMed 32238909 (cited by Cavalleri Lab, Royal College of Surgeons in Ireland); PubMed 22309168 (cited by Laboratory for Molecular Medicine, Mass General Brigham Personalized Medicine); PubMed 16556866 (cited by Illumina Laboratory Services, Illumina); PubMed 12736279 (cited by OMIM); NCBI Bookshelf NBK1405 (cited by GeneReviews).